The following is an entry in ClinVar:

NM_001042492.3(NF1):c.955del (p.Ser319fs)

Gene: NF1 (neurofibromin 1; plus strand). Cytogenetic location: 17q11.2.
Variant type: Deletion.
Coding change: c.955del on transcript NM_001042492.3 (MANE Select); coding-DNA position 955, one base deleted (A; older notation c.955delA).
Protein change: p.Ser319fs; shifts the reading frame from serine 319.
Molecular consequence: frameshift variant.
Genome position (GRCh38, 1-based): chr17:31,200,488, A deleted; the last of 3 consecutive A bases (chr17:31,200,486-31,200,488); deleting any one gives the same sequence. VCF-style (leftmost placement, unchanged base first): chr17-31200485-GA-G. GRCh37 (hg19) VCF-style: chr17-29527503-GA-G.
Other names: c.955delA (NM_000267.3); c.955delA, p.Ser319Valfs (NM_000267.4); c.955del, p.Ser319fs (NM_001128147.3); short protein forms S319fs.
Identifiers: ClinVar variation 481958 (VCV000481958.5), dbSNP rs876660931, ClinGen allele CA658656565.
Genomic context (GRCh38, chr17:31,200,485, plus strand): 5'-TTATTTCTGGACAGTCTACGAAAAGCTCTTGCTGGCCATGGAGGAAGTAGGCAGCTGACA[GA>G]AAGTGCTGCAATTGCCTGTGTCAAACTGTGTAAAGCAAGTACTTACATCAATTGGGAAGA-3'

ClinVar aggregate classification (germline): Pathogenic (1 of 4 stars; one submission).

Conditions:
Cardiovascular phenotype. Identifiers: MedGen CN230736.
Hereditary cancer-predisposing syndrome. Also called: Neoplastic Syndromes, Hereditary; Tumor predisposition; Hereditary Cancer Syndrome; Hereditary neoplastic syndrome. Identifiers: Orphanet 140162, MedGen C0027672, MeSH D009386, MONDO:0015356.

Submission:

Ambry Genetics
Classification: Pathogenic for Cardiovascular phenotype; Hereditary cancer-predisposing syndrome. Last evaluated: 2016-10-24. Review status: criteria provided, single submitter. Criteria: Ambry Variant Classification Scheme 2023. Collection method: clinical testing. Allele origin: germline.
Comment: The c.955delA pathogenic mutation, located in coding exon 9 of the NF1 gene, results from a deletion of one nucleotide at nucleotide position 955, causing a translational frameshift with a predicted alternate stop codon. This alteration is expected to result in loss of function by premature protein truncation or nonsense-mediated mRNA decay. As such, this alteration is interpreted as a disease-causing mutation.